The following is an entry in ClinVar:

ClinVar aggregate classification (germline): Conflicting classifications of pathogenicity. Review status: criteria provided, conflicting classifications (1 of 4 stars). 5 submissions from 5 submitters: Uncertain significance (1); Likely benign (3). 1 of the submissions does not count toward it. Last evaluated 2026-02-01.

Conditions:
SLC46A1-related disorder. Also called: SLC46A1-related condition.
Congenital defect of folate absorption. Also called: Hereditary Folate Malabsorption. Identifiers: Orphanet 90045, MedGen C0342705, MONDO:0009238, OMIM 229050.

Allele frequency attached by ClinVar (database versions not stated): 1000 Genomes Project 0.00040; 1000 Genomes Project 30x 0.00047; ExAC 0.00066; TOPMed 0.00074; gnomAD exomes 0.00076 and 0.00134; gnomAD 0.00078 and 0.00081; ESP Exome Variant Server 0.00104.
gnomAD v4.1: 2,057 of 1,614,032 alleles (0.13%); highest among the groups gnomAD compares: Non-Finnish European, 0.16%; 2 homozygotes.

Submissions (5):

Labcorp Genetics (formerly Invitae), Labcorp
Classification: Likely benign. Last evaluated: 2026-02-01. Review status: criteria provided, single submitter. Criteria: Invitae Variant Classification Sherloc (09022015). Collection method: clinical testing. Allele origin: germline.

CeGaT Center for Human Genetics Tuebingen
Classification: Likely benign. Last evaluated: 2025-04-01. Review status: criteria provided, single submitter. Criteria: CeGaT Center For Human Genetics Tuebingen Variant Classification Criteria Version 2. Collection method: clinical testing. Allele origin: germline. Affected: yes. Observed: 2 variant alleles.
Comment: SLC46A1: BP4, BP7

Blueprint Genetics
Classification: Likely benign. Last evaluated: 2024-11-26. Review status: criteria provided, single submitter. Criteria: ACMG Guidelines, 2015. Collection method: clinical testing. Allele origin: germline.

Illumina Laboratory Services, Illumina
Classification: Uncertain significance for Congenital defect of folate absorption. Last evaluated: 2018-01-13. Review status: criteria provided, single submitter. Criteria: ICSL Variant Classification Criteria 13 December 2019. Collection method: clinical testing. Allele origin: germline.

PreventionGenetics, part of Exact Sciences
Classification: Likely benign for SLC46A1-related condition. Last evaluated: 2023-11-27. Review status: no assertion criteria provided. Collection method: clinical testing. Allele origin: germline. Not counted in ClinVar's aggregate classification.
Comment: This variant is classified as likely benign based on ACMG/AMP sequence variant interpretation guidelines (Richards et al. 2015 PMID: 25741868, with internal and published modifications).

NM_080669.6(SLC46A1):c.972C>T (p.Leu324=)

Gene: SLC46A1 (solute carrier family 46 member 1; minus strand). Cytogenetic location: 17q11.2.
Variant type: single nucleotide variant.
Coding change: c.972C>T on transcript NM_080669.6 (MANE Select); coding-DNA position 972, C replaced by T.
Protein change: p.Leu324=; no amino-acid change (leucine 324 retained).
Molecular consequence: synonymous variant.
Genome position (GRCh38, 1-based): chr17:28,404,725, G>A on the plus strand (C>T on the coding strand, the complement: SLC46A1 is on the minus strand). VCF-style: chr17-28404725-G-A. GRCh37 (hg19) VCF-style: chr17-26731743-G-A.
Other names: c.972C>T, p.Leu324= (NM_001242366.3).
Identifiers: ClinVar variation 713611 (VCV000713611.49), dbSNP rs188529539, ClinGen allele CA8458250.